The following is an entry in ClinVar:

ClinVar aggregate classification (germline): Uncertain significance. Review status: criteria provided, multiple submitters, no conflicts (2 of 4 stars). 2 submissions from 2 submitters: Uncertain significance (2). Last evaluated 2022-05-22.

Conditions:
Maturity-onset diabetes of the young type 6 (MODY6). Identifiers: Orphanet 552, MedGen C1853371, MONDO:0011668, OMIM 606394.
Type 2 diabetes mellitus. Also called: Type II diabetes mellitus. Identifiers: MedGen C0011860, MeSH D003924, MONDO:0005148, OMIM 125853, HP:0005978.

Allele frequency attached by ClinVar (database versions not stated): gnomAD exomes 0.00001; TOPMed 0.00001.

Submissions (2):

Fulgent Genetics
Classification: Uncertain significance for Type 2 diabetes mellitus; Maturity-onset diabetes of the young type 6. Last evaluated: 2022-05-22. Review status: criteria provided, single submitter. Criteria: ACMG Guidelines, 2015. Collection method: clinical testing. Allele origin: unknown.

Labcorp Genetics (formerly Invitae), Labcorp
Classification: Uncertain significance. Last evaluated: 2021-05-19. Review status: criteria provided, single submitter. Criteria: Invitae Variant Classification Sherloc (09022015). Collection method: clinical testing. Allele origin: germline.
Comment: Algorithms developed to predict the effect of missense changes on protein structure and function are either unavailable or do not agree on the potential impact of this missense change (SIFT: "Deleterious"; PolyPhen-2: "Probably Damaging"; Align-GVGD: "Class C0"). In summary, the available evidence is currently insufficient to determine the role of this variant in disease. Therefore, it has been classified as a Variant of Uncertain Significance. This variant has not been reported in the literature in individuals with NEUROD1-related conditions. This variant is not present in population databases (ExAC no frequency). This sequence change replaces lysine with glutamic acid at codon 38 of the NEUROD1 protein (p.Lys38Glu). The lysine residue is highly conserved and there is a small physicochemical difference between lysine and glutamic acid.

NM_002500.5(NEUROD1):c.112A>G (p.Lys38Glu)

Gene: NEUROD1 (neuronal differentiation 1; minus strand). Cytogenetic location: 2q31.3.
Variant type: single nucleotide variant.
Coding change: c.112A>G on transcript NM_002500.5 (MANE Select); coding-DNA position 112, A replaced by G.
Protein change: p.Lys38Glu; replaces lysine 38 with glutamic acid.
Molecular consequence: missense variant.
Genome position (GRCh38, 1-based): chr2:181,678,749, T>C on the plus strand (A>G on the coding strand, the complement: NEUROD1 is on the minus strand). VCF-style: chr2-181678749-T-C. GRCh37 (hg19) VCF-style: chr2-182543476-T-C.
Other names: short protein forms K38E.
Identifiers: ClinVar variation 1369525 (VCV001369525.9), dbSNP rs1013787986, ClinGen allele CA62111464.
Genomic context (GRCh38, chr2:181,678,749, plus strand): 5'-CTCCCCCGTTCCTCAGTGAGTCCTCCTCTGCGTTCATGGTTTCGAGGTCGTCCTCCTTCT[T>C]GTCTGCCTCGTGCTCCTCGTCCTGAGAACTGAGACACTCGTCTGTCCAGCTTGGAGGACC-3'
Protein context (NP_002491.3, residues 28-48): SSQDEEHEAD[Lys38Glu]KEDDLETMNA